The following is an entry in ClinVar:

NM_000085.5(CLCNKB):c.1588C>T (p.Pro530Ser)

Genes: CLCNKB (chloride voltage-gated channel Kb; plus strand), LOC106501713 (CLCNKB recombination region; plus strand). Cytogenetic location: 1p36.13.
Variant type: single nucleotide variant.
Coding change: c.1588C>T on transcript NM_000085.5 (MANE Select); coding-DNA position 1588, C replaced by T.
Protein change: p.Pro530Ser; replaces proline 530 with serine.
Molecular consequence: missense variant.
Genome position (GRCh38, 1-based): chr1:16,052,377, C>T. VCF-style: chr1-16052377-C-T. GRCh37 (hg19) VCF-style: chr1-16378872-C-T.
Other names: c.1081C>T, p.Pro361Ser (NM_001165945.2); short protein forms P361S, P530S.
Identifiers: ClinVar variation 2574831 (VCV002574831.2), dbSNP rs2023322547, ClinGen allele CA338643293.

ClinVar aggregate classification (germline): Uncertain significance. Review status: criteria provided, multiple submitters, no conflicts (2 of 4 stars). 2 submissions from 2 submitters: Uncertain significance (2). Last evaluated 2024-06-12.

Conditions:
Bartter disease type 3. Also called: Bartter syndrome type 3. Identifiers: Orphanet 112, Orphanet 93605, MedGen C1846343, MONDO:0011822, OMIM 607364.
Bartter disease type 4B. Also called: BARTTER SYNDROME, TYPE 4B, NEONATAL, WITH SENSORINEURAL DEAFNESS; Bartter syndrome, type 4b, digenic; BARTTER SYNDROME, TYPE 4B. Identifiers: Orphanet 112, MedGen C4310805, MONDO:0000909, OMIM 613090.

Allele frequency attached by ClinVar (database versions not stated): gnomAD exomes below 0.00001.
gnomAD v4.1: 3 of 1,613,344 alleles (0.00019%); highest among the groups gnomAD compares: Non-Finnish European, 0.00025%; no homozygotes.

Submissions (2):

Fulgent Genetics
Classification: Uncertain significance for Bartter disease type 3; Bartter disease type 4B. Last evaluated: 2024-06-12. Review status: criteria provided, single submitter. Criteria: ACMG Guidelines, 2015. Collection method: clinical testing. Allele origin: germline.

GeneDx
Classification: Uncertain significance. Last evaluated: 2023-02-02. Review status: criteria provided, single submitter. Criteria: GeneDx Variant Classification Process June 2021. Collection method: clinical testing. Allele origin: germline. Affected: yes.
Comment: Not observed at significant frequency in large population cohorts (gnomAD); In silico analysis supports that this missense variant has a deleterious effect on protein structure/function; Has not been previously published as pathogenic or benign to our knowledge